The following is an entry in ClinVar:

ClinVar aggregate classification (germline): Uncertain significance. Review status: criteria provided, multiple submitters, no conflicts (2 of 4 stars). 2 submissions from 2 submitters: Uncertain significance (2). Last evaluated 2025-03-06.

Conditions:
Inborn genetic diseases. Identifiers: MedGen C0950123, MeSH D030342.
Baller-Gerold syndrome (BGS). Also called: CRANIOSYNOSTOSIS WITH RADIAL DEFECTS. Identifiers: Orphanet 1225, MedGen C0265308, MONDO:0009039, OMIM 218600.

Submissions (2):

Ambry Genetics
Classification: Uncertain significance for Inborn genetic diseases. Last evaluated: 2025-03-06. Review status: criteria provided, single submitter. Criteria: Ambry Variant Classification Scheme 2023. Collection method: clinical testing. Allele origin: germline.
Comment: The p.R372S variant (also known as c.1116G>T), located in coding exon 5 of the RECQL4 gene, results from a G to T substitution at nucleotide position 1116. The arginine at codon 372 is replaced by serine, an amino acid with dissimilar properties. This amino acid position is conserved. In addition, this alteration is predicted to be tolerated by in silico analysis. Based on the available evidence, the clinical significance of this variant remains unclear.

Labcorp Genetics (formerly Invitae), Labcorp
Classification: Uncertain significance for Baller-Gerold syndrome. Last evaluated: 2023-07-10. Review status: criteria provided, single submitter. Criteria: Invitae Variant Classification Sherloc (09022015). Collection method: clinical testing. Allele origin: germline.
Comment: In summary, the available evidence is currently insufficient to determine the role of this variant in disease. Therefore, it has been classified as a Variant of Uncertain Significance. Advanced modeling of protein sequence and biophysical properties (such as structural, functional, and spatial information, amino acid conservation, physicochemical variation, residue mobility, and thermodynamic stability) performed at Invitae indicates that this missense variant is not expected to disrupt RECQL4 protein function. ClinVar contains an entry for this variant (Variation ID: 407007). This variant has not been reported in the literature in individuals affected with RECQL4-related conditions. This variant is not present in population databases (gnomAD no frequency). This sequence change replaces arginine, which is basic and polar, with serine, which is neutral and polar, at codon 372 of the RECQL4 protein (p.Arg372Ser).

NM_004260.4(RECQL4):c.1116G>T (p.Arg372Ser)

Gene: RECQL4 (RecQ like helicase 4; minus strand). Cytogenetic location: 8q24.3.
Variant type: single nucleotide variant.
Coding change: c.1116G>T on transcript NM_004260.4 (MANE Select); coding-DNA position 1116, G replaced by T.
Protein change: p.Arg372Ser; replaces arginine 372 with serine.
Molecular consequence: missense variant.
Genome position (GRCh38, 1-based): chr8:144,516,003, C>A on the plus strand (G>T on the coding strand, the complement: RECQL4 is on the minus strand). VCF-style: chr8-144516003-C-A. GRCh37 (hg19) VCF-style: chr8-145741387-C-A.
Other names: short protein forms R372S.
Identifiers: ClinVar variation 407007 (VCV000407007.7), dbSNP rs779492418, ClinGen allele CA16612269.